The following is an entry in ClinVar:

NM_006623.4(PHGDH):c.296C>G (p.Pro99Arg)

Gene: PHGDH (phosphoglycerate dehydrogenase; plus strand). Cytogenetic location: 1p12.
Variant type: single nucleotide variant.
Coding change: c.296C>G on transcript NM_006623.4 (MANE Select); coding-DNA position 296, C replaced by G.
Protein change: p.Pro99Arg; replaces proline 99 with arginine.
Molecular consequence: missense variant.
Genome position (GRCh38, 1-based): chr1:119,723,381, C>G. VCF-style: chr1-119723381-C-G. GRCh37 (hg19) VCF-style: chr1-120266004-C-G.
Other names: short protein forms P99R.
Identifiers: ClinVar variation 709534 (VCV000709534.18), dbSNP rs182600362, ClinGen allele CA1037017.
Genomic context (GRCh38, chr1:119,723,381, plus strand): 5'-GAGTGGGAATACTGGGTCTGTGCCCATTGATGTCCCCCTTTTCTTTGATCTTTAGCACCC[C>G]CAATGGGAACAGCCTCAGTGCCGCAGAACTCACTTGTGGAATGATCATGTGCCTGGCCAG-3'
Protein context (NP_006614.2, residues 89-109): TRKGILVMNT[Pro99Arg]NGNSLSAAEL

ClinVar aggregate classification (germline): Benign/Likely benign. Review status: criteria provided, multiple submitters, no conflicts (2 of 4 stars). 7 submissions from 6 submitters: Benign (1); Likely benign (5). 1 of the submissions does not count toward it. Last evaluated 2026-01-25.

Conditions:
PHGDH deficiency. Identifiers: Orphanet 79351, MedGen C1866174, MONDO:0011152, OMIM 601815.
Neu-Laxova syndrome 1 (NLS1). Identifiers: Orphanet 2671, Orphanet 583607, MedGen C4551478, MONDO:0009736, OMIM 256520. Disease mechanism: loss of function.

Allele frequency attached by ClinVar (database versions not stated): gnomAD 0.00030 and 0.00032; 1000 Genomes Project 0.00060; 1000 Genomes Project 30x 0.00062; TOPMed 0.00082; ExAC 0.00084; gnomAD exomes 0.00118.
gnomAD v4.1: 397 of 1,613,058 alleles (0.025%); highest among the groups gnomAD compares: Admixed American, 0.62%; 4 homozygotes.

Submissions (7):

Labcorp Genetics (formerly Invitae), Labcorp
Classification: Likely benign for PHGDH deficiency. Last evaluated: 2026-01-25. Review status: criteria provided, single submitter. Criteria: Invitae Variant Classification Sherloc (09022015). Collection method: clinical testing. Allele origin: germline.

Women's Health and Genetics/Laboratory Corporation of America, LabCorp
Classification: Likely benign. Last evaluated: 2024-11-04. Review status: criteria provided, single submitter. Criteria: LabCorp Variant Classification Summary - May 2015. Collection method: clinical testing. Allele origin: germline.
Comment: Variant summary: PHGDH c.296C>G (p.Pro99Arg) results in a non-conservative amino acid change in the encoded protein sequence. Four of four in-silico tools predict a damaging effect of the variant on protein function. The variant allele was found at a frequency of 0.0012 in 251486 control chromosomes, predominantly at a frequency of 0.0084 within the Latino subpopulation in the gnomAD database, including 2 homozygotes. The observed variant frequency within Latino control individuals in the gnomAD database is approximately 3 fold of the estimated maximal expected allele frequency for a pathogenic variant in PHGDH causing Phosphoglycerate Dehydrogenase Deficiency phenotype (0.0026). To our knowledge, no occurrence of c.296C>G in individuals affected with Phosphoglycerate Dehydrogenase Deficiency and no experimental evidence demonstrating its impact on protein function have been reported. ClinVar contains an entry for this variant (Variation ID: 709534). Based on the evidence outlined above, the variant was classified as likely benign.

Athena Diagnostics
Classification: Benign. Last evaluated: 2024-10-18. Review status: criteria provided, single submitter. Criteria: Athena Diagnostics Criteria. Collection method: clinical testing. Allele origin: unknown.

Genome-Nilou Lab
Classification: Likely benign for Neu-Laxova syndrome 1. Last evaluated: 2023-04-11. Review status: criteria provided, single submitter. Criteria: ACMG Guidelines, 2015. Collection method: clinical testing. Allele origin: germline. Affected: no.

Genome-Nilou Lab
Classification: Likely benign for PHGDH deficiency. Last evaluated: 2023-04-11. Review status: criteria provided, single submitter. Criteria: ACMG Guidelines, 2015. Collection method: clinical testing. Allele origin: germline. Affected: no.

Illumina Laboratory Services, Illumina
Classification: Likely benign for PHGDH deficiency. Last evaluated: 2018-01-12. Review status: criteria provided, single submitter. Criteria: ICSL Variant Classification Criteria 13 December 2019. Collection method: clinical testing. Allele origin: germline.
Comment: This variant was observed in the ICSL laboratory as part of a predisposition screen in an ostensibly healthy population. It had not been previously curated by ICSL or reported in the Human Gene Mutation Database (HGMD: prior to June 1st, 2018), and was therefore a candidate for classification through an automated scoring system. Utilizing variant allele frequency, disease prevalence and penetrance estimates, and inheritance mode, an automated score was calculated to assess if this variant is too frequent to cause the disease. Based on the score and internal cut-off values, a variant classified as likely benign is not then subjected to further curation. The score for this variant resulted in a classification of likely benign for this disease.

Natera, Inc.
Classification: Uncertain significance for Phosphoglycerate dehydrogenase deficiency. Last evaluated: 2020-02-13. Review status: no assertion criteria provided. Collection method: clinical testing. Allele origin: germline. Not counted in ClinVar's aggregate classification.